The following is an entry in ClinVar:

NM_002474.3(MYH11):c.889+134A>G

Gene: MYH11 (myosin heavy chain 11; minus strand). Cytogenetic location: 16p13.11.
Variant type: single nucleotide variant.
Coding change: c.889+134A>G on transcript NM_002474.3 (MANE Select); 134 bases into the intron after coding-DNA position 889, A replaced by G.
Molecular consequence: intron variant.
Genome position (GRCh38, 1-based): chr16:15,775,944, T>C on the plus strand (A>G on the coding strand, the complement: MYH11 is on the minus strand). VCF-style: chr16-15775944-T-C. GRCh37 (hg19) VCF-style: chr16-15869801-T-C.
Other names: c.889+134A>G (NM_022844.3); c.910+134A>G (NM_001040114.2, NM_001040113.2).
Identifiers: ClinVar variation 672354 (VCV000672354.2), dbSNP rs2072619, ClinGen allele CA14214154.

ClinVar aggregate classification (germline): Benign. Review status: criteria provided, multiple submitters, no conflicts (2 of 4 stars). 2 submissions from 2 submitters: Benign (2). Last evaluated 2018-06-14.

Allele frequency attached by ClinVar (database versions not stated): TOPMed 0.59703; gnomAD 0.59874 and 0.60035; gnomAD exomes 0.60021; 1000 Genomes Project 30x 0.62039; 1000 Genomes Project 0.62560.

Submissions (2):

GeneDx
Classification: Benign. Last evaluated: 2018-06-14. Review status: criteria provided, single submitter. Criteria: GeneDx Variant Classification (06012015). Collection method: clinical testing. Allele origin: germline. Affected: yes.
Comment: This variant is considered likely benign or benign based on one or more of the following criteria: it is a conservative change, it occurs at a poorly conserved position in the protein, it is predicted to be benign by multiple in silico algorithms, and/or has population frequency not consistent with disease.

Breakthrough Genomics
Classification: Benign. Review status: criteria provided, single submitter. Criteria: ACMG Guidelines, 2015. Collection method: not provided. Allele origin: germline. Inheritance: Autosomal recessive inheritance. Affected: yes.